The following is an entry in ClinVar:

ClinVar aggregate classification (germline): Uncertain significance (1 of 4 stars; one submission).

Submission:

Labcorp Genetics (formerly Invitae), Labcorp
Classification: Uncertain significance. Last evaluated: 2022-04-08. Review status: criteria provided, single submitter. Criteria: Invitae Variant Classification Sherloc (09022015). Collection method: clinical testing. Allele origin: germline.
Comment: Algorithms developed to predict the effect of missense changes on protein structure and function are either unavailable or do not agree on the potential impact of this missense change (SIFT: "Deleterious"; PolyPhen-2: "Benign"; Align-GVGD: "Class C0"). In summary, the available evidence is currently insufficient to determine the role of this variant in disease. Therefore, it has been classified as a Variant of Uncertain Significance. This variant has not been reported in the literature in individuals affected with GRXCR1-related conditions. This variant is not present in population databases (gnomAD no frequency). This sequence change replaces serine, which is neutral and polar, with tyrosine, which is neutral and polar, at codon 268 of the GRXCR1 protein (p.Ser268Tyr).

NM_001080476.3(GRXCR1):c.803C>A (p.Ser268Tyr)

Gene: GRXCR1 (glutaredoxin and cysteine rich domain containing 1; plus strand). Cytogenetic location: 4p13.
Variant type: single nucleotide variant.
Coding change: c.803C>A on transcript NM_001080476.3 (MANE Select); coding-DNA position 803, C replaced by A.
Protein change: p.Ser268Tyr; replaces serine 268 with tyrosine.
Molecular consequence: missense variant.
Genome position (GRCh38, 1-based): chr4:43,030,470, C>A. VCF-style: chr4-43030470-C-A. GRCh37 (hg19) VCF-style: chr4-43032487-C-A.
Other names: short protein forms S268Y.
Identifiers: ClinVar variation 1480514 (VCV001480514.6), dbSNP rs2109812527, ClinGen allele CA356791933.